The following is an entry in ClinVar:

NM_005055.5(RAPSN):c.913-15A>G

Gene: RAPSN (receptor associated protein of the synapse; minus strand). Cytogenetic location: 11p11.2.
Variant type: single nucleotide variant.
Coding change: c.913-15A>G on transcript NM_005055.5 (MANE Select); 15 bases into the intron before coding-DNA position 913, A replaced by G.
Molecular consequence: intron variant.
Genome position (GRCh38, 1-based): chr11:47,441,227, T>C on the plus strand (A>G on the coding strand, the complement: RAPSN is on the minus strand). VCF-style: chr11-47441227-T-C. GRCh37 (hg19) VCF-style: chr11-47462778-T-C.
Other names: c.789+596A>G (NM_032645.5).
Identifiers: ClinVar variation 259632 (VCV000259632.15), dbSNP rs185204384, ClinGen allele CA5976563.

ClinVar aggregate classification (germline): Benign/Likely benign. Review status: criteria provided, multiple submitters, no conflicts (2 of 4 stars). 5 submissions from 5 submitters: Benign (1); Likely benign (4). Last evaluated 2026-01-27.

Conditions:
Fetal akinesia deformation sequence 1 (FADS1). Also called: Pena-Shokeir syndrome type I; Fetal akinesia sequence. Identifiers: Orphanet 994, MedGen C1276035, MONDO:0100101, OMIM 208150, HP:0001989.
Congenital myasthenic syndrome 11. Also called: MYASTHENIC SYNDROME, CONGENITAL, Ie; Myasthenic syndrome, congenital, 11, associated with acetylcholine receptor deficiency. Identifiers: Orphanet 590, MedGen C4225367, MONDO:0014588, OMIM 616326.

Allele frequency attached by ClinVar (database versions not stated): gnomAD exomes 0.00018 and 0.00056; ExAC 0.00064; 1000 Genomes Project 0.00160; ESP Exome Variant Server 0.00162; 1000 Genomes Project 30x 0.00172; gnomAD 0.00203 and 0.00221; TOPMed 0.00255.
gnomAD v4.1: 598 of 1,613,374 alleles (0.037%); highest among the groups gnomAD compares: African/African-American, 0.66%; 1 homozygote.

Submissions (5):

Labcorp Genetics (formerly Invitae), Labcorp
Classification: Benign for Congenital myasthenic syndrome 11; Fetal akinesia deformation sequence 1. Last evaluated: 2026-01-27. Review status: criteria provided, single submitter. Criteria: Invitae Variant Classification Sherloc (09022015). Collection method: clinical testing. Allele origin: germline.

Blueprint Genetics
Classification: Likely benign. Last evaluated: 2024-11-13. Review status: criteria provided, single submitter. Criteria: ACMG Guidelines, 2015. Collection method: clinical testing. Allele origin: germline.

GeneDx
Classification: Likely benign. Last evaluated: 2018-04-13. Review status: criteria provided, single submitter. Criteria: GeneDx Variant Classification (06012015). Collection method: clinical testing. Allele origin: germline. Affected: yes.
Comment: This variant is considered likely benign or benign based on one or more of the following criteria: it is a conservative change, it occurs at a poorly conserved position in the protein, it is predicted to be benign by multiple in silico algorithms, and/or has population frequency not consistent with disease.

Breakthrough Genomics
Classification: Likely benign. Review status: criteria provided, single submitter. Criteria: ACMG Guidelines, 2015. Collection method: not provided. Allele origin: germline. Inheritance: Autosomal recessive inheritance. Affected: yes.

PreventionGenetics, part of Exact Sciences
Classification: Likely benign. Review status: criteria provided, single submitter. Criteria: ACMG Guidelines, 2015. Collection method: clinical testing. Allele origin: germline.